The following is an entry in ClinVar:

ClinVar aggregate classification (germline): Likely benign (1 of 4 stars; one submission).

Conditions:
SCAPER-related disorder. Also called: SCAPER-related condition.

gnomAD v4.1: 13 of 1,613,416 alleles (0.00081%); highest among the groups gnomAD compares: African/African-American, 0.016%; no homozygotes.

Submission:

PreventionGenetics, part of Exact Sciences
Classification: Likely benign for SCAPER-related condition. Last evaluated: 2025-02-20. Review status: criteria provided, single submitter. Criteria: ACMG Guidelines, 2015. Collection method: clinical testing. Allele origin: germline.
Comment: This variant is classified as likely benign based on ACMG/AMP sequence variant interpretation guidelines (Richards et al. 2015 PMID: 25741868, with internal and published modifications).

NM_020843.4(SCAPER):c.2100C>A (p.Ala700=)

Gene: SCAPER (S-phase cyclin A associated protein in the ER; minus strand). Cytogenetic location: 15q24.3.
Variant type: single nucleotide variant.
Coding change: c.2100C>A on transcript NM_020843.4 (MANE Select); coding-DNA position 2100, C replaced by A.
Protein change: p.Ala700=; no amino-acid change (alanine 700 retained).
Molecular consequence: synonymous variant. On other transcripts: non-coding transcript variant (1).
Genome position (GRCh38, 1-based): chr15:76,728,660, G>T on the plus strand (C>A on the coding strand, the complement: SCAPER is on the minus strand). VCF-style: chr15-76728660-G-T. GRCh37 (hg19) VCF-style: chr15-77021001-G-T.
Other names: c.1362C>A, p.Ala454= (NM_001145923.2); c.2118C>A, p.Ala706= (NM_001353009.2); c.1698C>A, p.Ala566= (NM_001353010.2, NM_001353012.2); c.1716C>A, p.Ala572= (NM_001353011.2).
Identifiers: ClinVar variation 4988328 (VCV004988328.1).